The following is an entry in ClinVar:

NM_003906.5(MCM3AP):c.4477C>G (p.Gln1493Glu)

Genes: MCM3AP (minichromosome maintenance complex component 3 associated protein; minus strand), MCM3AP-AS1 (MCM3AP antisense RNA 1; plus strand). Cytogenetic location: 21q22.3.
Variant type: single nucleotide variant.
Coding change: c.4477C>G on transcript NM_003906.5 (MANE Select); coding-DNA position 4477, C replaced by G.
Protein change: p.Gln1493Glu; replaces glutamine 1493 with glutamic acid.
Molecular consequence: missense variant.
Genome position (GRCh38, 1-based): chr21:46,246,700, G>C on the plus strand (C>G on the coding strand, the complement: MCM3AP is on the minus strand). VCF-style: chr21-46246700-G-C. GRCh37 (hg19) VCF-style: chr21-47666614-G-C.
Other names: short protein forms Q1493E.
Identifiers: ClinVar variation 2070261 (VCV002070261.24), dbSNP rs201791799, ClinGen allele CA10076118.

ClinVar aggregate classification (germline): Uncertain significance. Review status: criteria provided, multiple submitters, no conflicts (2 of 4 stars). 4 submissions from 4 submitters: Uncertain significance (4). Last evaluated 2024-10-29.

Conditions:
Inborn genetic diseases. Identifiers: MedGen C0950123, MeSH D030342.

Allele frequency attached by ClinVar (database versions not stated): ESP Exome Variant Server 0.00015; gnomAD exomes 0.00016; TOPMed 0.00018; gnomAD 0.00019; ExAC 0.00023.
gnomAD v4.1: 277 of 1,614,148 alleles (0.017%); highest among the groups gnomAD compares: Admixed American, 0.04%; no homozygotes.

Submissions (4):

Labcorp Genetics (formerly Invitae), Labcorp
Classification: Uncertain significance. Last evaluated: 2024-10-29. Review status: criteria provided, single submitter. Criteria: Invitae Variant Classification Sherloc (09022015). Collection method: clinical testing. Allele origin: germline.
Comment: This sequence change replaces glutamine, which is neutral and polar, with glutamic acid, which is acidic and polar, at codon 1493 of the MCM3AP protein (p.Gln1493Glu). This variant is present in population databases (rs201791799, gnomAD 0.05%). This variant has not been reported in the literature in individuals affected with MCM3AP-related conditions. ClinVar contains an entry for this variant (Variation ID: 2070261). An algorithm developed to predict the effect of missense changes on protein structure and function (PolyPhen-2) suggests that this variant¬†is likely to be tolerated. In summary, the available evidence is currently insufficient to determine the role of this variant in disease. Therefore, it has been classified as a Variant of Uncertain Significance.

GeneDx
Classification: Uncertain significance. Last evaluated: 2024-07-18. Review status: criteria provided, single submitter. Criteria: GeneDx Variant Classification Process June 2021. Collection method: clinical testing. Allele origin: germline. Affected: yes.
Comment: In silico analysis indicates that this missense variant does not alter protein structure/function; Has not been previously published as pathogenic or benign to our knowledge

CeGaT Center for Human Genetics Tuebingen
Classification: Uncertain significance. Last evaluated: 2024-04-01. Review status: criteria provided, single submitter. Criteria: CeGaT Center For Human Genetics Tuebingen Variant Classification Criteria Version 2. Collection method: clinical testing. Allele origin: germline. Affected: yes. Observed: 1 variant allele.
Comment: MCM3AP: PM2, BP4

Ambry Genetics
Classification: Uncertain significance for Inborn genetic diseases. Last evaluated: 2021-06-11. Review status: criteria provided, single submitter. Criteria: Ambry Variant Classification Scheme 2023. Collection method: clinical testing. Allele origin: germline.